The following is an entry in ClinVar:

NM_003640.5(ELP1):c.1466A>C (p.Gln489Pro)

Gene: ELP1 (elongator acetyltransferase complex subunit 1; minus strand). Cytogenetic location: 9q31.3.
Variant type: single nucleotide variant.
Coding change: c.1466A>C on transcript NM_003640.5 (MANE Select); coding-DNA position 1466, A replaced by C.
Protein change: p.Gln489Pro; replaces glutamine 489 with proline.
Molecular consequence: missense variant.
Genome position (GRCh38, 1-based): chr9:108,906,480, T>G on the plus strand (A>C on the coding strand, the complement: ELP1 is on the minus strand). VCF-style: chr9-108906480-T-G. GRCh37 (hg19) VCF-style: chr9-111668760-T-G.
Other names: c.1124A>C, p.Gln375Pro (NM_001318360.2); c.419A>C, p.Gln140Pro (NM_001330749.2); c.1466A>C (NM_003640.3); short protein forms Q489P, Q375P, Q140P.
Identifiers: ClinVar variation 1357633 (VCV001357633.11), dbSNP rs140229715, ClinGen allele CA5174995.

ClinVar aggregate classification (germline): Uncertain significance. Review status: criteria provided, multiple submitters, no conflicts (2 of 4 stars). 5 submissions from 5 submitters: Uncertain significance (5). Last evaluated 2026-09-01.

Conditions:
Medulloblastoma (MDB). Also called: MEDULLOBLASTOMA PREDISPOSITION SYNDROME; Medulloblastoma, somatic. Identifiers: Orphanet 616, MedGen C0025149, MeSH D008527, MONDO:0007959, OMIM 155255, HP:0002885.
Familial dysautonomia. Also called: FD; HSAN III. Identifiers: Orphanet 1764, MedGen C0013364, MONDO:0009131, OMIM 223900. Disease mechanism: loss of function.

Allele frequency attached by ClinVar (database versions not stated): ExAC 0.00001; gnomAD exomes 0.00001; gnomAD 0.00002; TOPMed 0.00002; ESP Exome Variant Server 0.00008.
gnomAD v4.1: 12 of 1,612,460 alleles (0.00074%); highest among the groups gnomAD compares: Non-Finnish European, 0.001%; no homozygotes.

Submissions (5):

CeGaT Center for Human Genetics Tuebingen
Classification: Uncertain significance. Last evaluated: 2026-09-01. Review status: criteria provided, single submitter. Criteria: CeGaT Center For Human Genetics Tuebingen Variant Classification Criteria Version 2. Collection method: clinical testing. Allele origin: germline. Affected: yes. Observed: 1 variant allele.

Ambry Genetics
Classification: Uncertain significance. Last evaluated: 2026-08-10. Review status: criteria provided, single submitter. Criteria: Ambry Variant Classification Scheme 2023. Collection method: clinical testing. Allele origin: germline.
Comment: The p.Q489P variant (also known as c.1466A>C), located in coding exon 13 of the IKBKAP gene, results from an A to C substitution at nucleotide position 1466. The glutamine at codon 489 is replaced by proline, an amino acid with similar properties. This amino acid position is conserved. In addition, this alteration is predicted to be tolerated by in silico analysis. Based on the available evidence, the clinical significance of this variant remains unclear.

Labcorp Genetics (formerly Invitae), Labcorp
Classification: Uncertain significance. Last evaluated: 2026-01-11. Review status: criteria provided, single submitter. Criteria: Invitae Variant Classification Sherloc (09022015). Collection method: clinical testing. Allele origin: germline.
Comment: This sequence change replaces glutamine, which is neutral and polar, with proline, which is neutral and non-polar, at codon 489 of the ELP1 protein (p.Gln489Pro). This variant is present in population databases (rs140229715, gnomAD 0.002%). This variant has not been reported in the literature in individuals affected with ELP1-related conditions. ClinVar contains an entry for this variant (Variation ID: 1357633). Invitae Evidence Modeling of protein sequence and biophysical properties (such as structural, functional, and spatial information, amino acid conservation, physicochemical variation, residue mobility, and thermodynamic stability) indicates that this missense variant is not expected to disrupt ELP1 protein function with a negative predictive value of 80%. In summary, the available evidence is currently insufficient to determine the role of this variant in disease. Therefore, it has been classified as a Variant of Uncertain Significance.

GeneDx
Classification: Uncertain significance. Last evaluated: 2025-03-20. Review status: criteria provided, single submitter. Criteria: GeneDx Variant Classification Process June 2021. Collection method: clinical testing. Allele origin: germline. Affected: yes.
Comment: Not observed at significant frequency in large population cohorts (gnomAD); In silico analysis indicates that this missense variant does not alter protein structure/function; Has not been previously published as pathogenic or benign to our knowledge

Fulgent Genetics
Classification: Uncertain significance for Medulloblastoma; Familial dysautonomia. Last evaluated: 2024-03-08. Review status: criteria provided, single submitter. Criteria: ACMG Guidelines, 2015. Collection method: clinical testing. Allele origin: germline.